The following is an entry in ClinVar:

ClinVar aggregate classification (germline): Benign/Likely benign. Review status: criteria provided, multiple submitters, no conflicts (2 of 4 stars). 2 submissions from 2 submitters: Benign (1); Likely benign (1). Last evaluated 2024-06-21.

Conditions:
Amyotrophic lateral sclerosis type 9 (ALS9). Identifiers: Orphanet 803, MedGen C2678468, MONDO:0012753, OMIM 611895.

Allele frequency attached by ClinVar (database versions not stated): TOPMed 0.00005; ExAC 0.00010.
gnomAD v4.1: 99 of 1,613,898 alleles (0.0061%); highest among the groups gnomAD compares: East Asian, 0.22%; 1 homozygote.

Submissions (2):

Labcorp Genetics (formerly Invitae), Labcorp
Classification: Likely benign. Last evaluated: 2024-06-21. Review status: criteria provided, single submitter. Criteria: Invitae Variant Classification Sherloc (09022015). Collection method: clinical testing. Allele origin: germline.

Illumina Laboratory Services, Illumina
Classification: Benign for Amyotrophic lateral sclerosis type 9. Last evaluated: 2017-04-27. Review status: criteria provided, single submitter. Criteria: ICSL Variant Classification Criteria 13 December 2019. Collection method: clinical testing. Allele origin: germline.
Comment: This variant was observed as part of a predisposition screen in an ostensibly healthy population. A literature search was performed for the gene, cDNA change, and amino acid change (where applicable). Publications were found based on this search. The evidence from the literature, in combination with allele frequency data from public databases where available, was sufficient to rule this variant out of causing disease. Therefore, this variant is classified as benign.

Literature cited by the submitters: PubMed 22190368 (cited by Illumina Laboratory Services, Illumina).

NM_001097577.3(ANG):c.62C>A (p.Pro21Gln)

Genes: RNASE4 (ribonuclease A family member 4; plus strand), ANG (angiogenin; plus strand), EGILA (EGFR interacting lncRNA; minus strand). Cytogenetic location: 14q11.2.
Variant type: single nucleotide variant.
Coding change: c.62C>A on transcript NM_001097577.3 (MANE Select); coding-DNA position 62, C replaced by A.
Protein change: p.Pro21Gln; replaces proline 21 with glutamine.
Molecular consequence: missense variant. On other transcripts: non-coding transcript variant (1), 5 prime UTR variant (1), intron variant (3).
Genome position (GRCh38, 1-based): chr14:20,693,626, C>A. VCF-style: chr14-20693626-C-A. GRCh37 (hg19) VCF-style: chr14-21161785-C-A.
Other names: c.62C>A, p.Pro21Gln (NM_001145.4, NM_001385271.1, NM_001385272.1 and 2 more transcripts); c.-42C>A (NM_001282192.2); c.-17-5729C>A (NM_002937.5, NM_001282193.2); c.-18+4752C>A (NM_194431.3); short protein forms P21Q.
Identifiers: ClinVar variation 882866 (VCV000882866.8), dbSNP rs773237991, ClinGen allele CA7083132.